The following is an entry in ClinVar:

NM_000419.5(ITGA2B):c.1534C>A (p.Pro512Thr)

Gene: ITGA2B (integrin subunit alpha 2b; minus strand). Cytogenetic location: 17q21.31.
Variant type: single nucleotide variant.
Coding change: c.1534C>A on transcript NM_000419.5 (MANE Select); coding-DNA position 1534, C replaced by A.
Protein change: p.Pro512Thr; replaces proline 512 with threonine.
Molecular consequence: missense variant.
Genome position (GRCh38, 1-based): chr17:44,380,396, G>T on the plus strand (C>A on the coding strand, the complement: ITGA2B is on the minus strand). VCF-style: chr17-44380396-G-T. GRCh37 (hg19) VCF-style: chr17-42457764-G-T.
Other names: short protein forms P512T.
Identifiers: ClinVar variation 4852986 (VCV004852986.1).

ClinVar aggregate classification (germline): Uncertain significance (1 of 4 stars; one submission).

gnomAD v4.1: 4 of 1,614,140 alleles (0.00025%); highest among the groups gnomAD compares: Non-Finnish European, 0.000085%; no homozygotes.

Submission:

Women's Health and Genetics/Laboratory Corporation of America, LabCorp
Classification: Uncertain significance. Last evaluated: 2026-05-18. Review status: criteria provided, single submitter. Criteria: LabCorp Variant Classification Summary - May 2015. Collection method: clinical testing. Allele origin: germline.
Comment: Variant summary: ITGA2B c.1534C>A (p.Pro512Thr) results in a non-conservative amino acid change in the encoded protein sequence. Algorithms developed to predict the effect of missense changes on protein structure and function are either unavailable or do not agree on the potential impact of this missense change. The variant allele was found at a frequency of 8e-06 in 251340 control chromosomes. The available data on variant occurrences in the general population are insufficient to allow any conclusion about variant significance. To our knowledge, no occurrence of c.1534C>A in individuals affected with ITGA2B-related conditions and no experimental evidence demonstrating its impact on protein function have been reported. No submitters have cited clinical-significance assessments for this variant to ClinVar. Based on the evidence outlined above, the variant was classified as uncertain significance.